The following is an entry in ClinVar:

ClinVar aggregate classification (germline): Likely benign (1 of 4 stars; one submission).

Allele frequency attached by ClinVar (database versions not stated): gnomAD 0.00005; ESP Exome Variant Server 0.00008; 1000 Genomes Project 30x 0.00016; 1000 Genomes Project 0.00020.
gnomAD v4.1: 72 of 1,611,662 alleles (0.0045%); highest among the groups gnomAD compares: Middle Eastern, 0.017%; 1 homozygote.

Submission:

CeGaT Center for Human Genetics Tuebingen
Classification: Likely benign. Last evaluated: 2022-08-01. Review status: criteria provided, single submitter. Criteria: CeGaT Center For Human Genetics Tuebingen Variant Classification Criteria Version 2. Collection method: clinical testing. Allele origin: germline. Affected: yes. Observed: 1 variant allele.
Comment: PPAN: BP4, BP7; PPAN-P2RY11: BP4, BP7

NM_020230.7(PPAN):c.819C>T (p.Thr273=)

Genes: PPAN (peter pan homolog; plus strand), PPAN-P2RY11 (PPAN-P2RY11 readthrough; plus strand). Cytogenetic location: 19p13.2.
Variant type: single nucleotide variant.
Coding change: c.819C>T on transcript NM_020230.7 (MANE Select); coding-DNA position 819, C replaced by T.
Protein change: p.Thr273=; no amino-acid change (threonine 273 retained).
Molecular consequence: synonymous variant.
Genome position (GRCh38, 1-based): chr19:10,110,243, C>T. VCF-style: chr19-10110243-C-T. GRCh37 (hg19) VCF-style: chr19-10220919-C-T.
Other names: c.816C>T, p.Thr272= (NM_001346139.1); c.660C>T, p.Thr220= (NM_001346141.1); c.819C>T, p.Thr273= (NM_001040664.3, NM_001198690.2).
Identifiers: ClinVar variation 2649282 (VCV002649282.24), dbSNP rs372396083, ClinGen allele CA9185885.
Genomic context (GRCh38, chr19:10,110,243, plus strand): 5'-GCCTCAGGCTGTCGCTGGCCGTGGCAACATGCGGGCCCAGCAGAGTGCAGTGCGGCTCAC[C>T]GAGGTGAGGCCCAGGGCAGGGGGACCCCCGGGCTCCACCAGTCCCAACGGTGGGCTGACG-3'
Protein context (NP_064615.3, residues 263-283): MRAQQSAVRL[Thr273=]EIGPRMTLQL